The following is an entry in ClinVar:

ClinVar aggregate classification (germline): Benign/Likely benign. Review status: criteria provided, multiple submitters, no conflicts (2 of 4 stars). 3 submissions from 3 submitters: Benign (1); Likely benign (2). Last evaluated 2026-06-02.

Conditions:
Hereditary cancer-predisposing syndrome. Also called: Neoplastic Syndromes, Hereditary; Hereditary Cancer Syndrome; Hereditary neoplastic syndrome; Tumor predisposition. Identifiers: Orphanet 140162, MedGen C0027672, MeSH D009386, MONDO:0015356.
Gastrointestinal stromal tumor. Also called: Gastrointestinal stroma tumor; Gastrointestinal stromal tumor, somatic. Identifiers: Orphanet 44890, MedGen C0238198, MeSH D046152, MONDO:0011719, OMIM 606764, HP:0100723.

Allele frequency attached by ClinVar (database versions not stated): gnomAD 0.00001; TOPMed 0.00001.
gnomAD v4.1: 5 of 1,614,030 alleles (0.00031%); highest among the groups gnomAD compares: Admixed American, 0.0033%; no homozygotes.

Submissions (3):

Myriad Genetics, Inc.
Classification: Benign for Gastrointestinal stromal tumor. Last evaluated: 2026-06-02. Review status: criteria provided, single submitter. Criteria: Myriad Autosomal Dominant, Autosomal Recessive and X-Linked Classification Criteria (2023). Collection method: clinical testing. Allele origin: unknown.
Comment: This variant is considered benign. This variant is a silent/synonymous amino acid change and it is not expected to impact splicing.

Labcorp Genetics (formerly Invitae), Labcorp
Classification: Likely benign for Gastrointestinal stromal tumor. Last evaluated: 2025-11-10. Review status: criteria provided, single submitter. Criteria: Invitae Variant Classification Sherloc (09022015). Collection method: clinical testing. Allele origin: germline.

Ambry Genetics
Classification: Likely benign for Hereditary cancer-predisposing syndrome. Last evaluated: 2020-05-12. Review status: criteria provided, single submitter. Criteria: Ambry Variant Classification Scheme 2023. Collection method: clinical testing. Allele origin: germline.

NM_000222.3(KIT):c.600C>T (p.Phe200=)

Gene: KIT (KIT proto-oncogene, receptor tyrosine kinase; plus strand). Cytogenetic location: 4q12.
Variant type: single nucleotide variant.
Coding change: c.600C>T on transcript NM_000222.3 (MANE Select); coding-DNA position 600, C replaced by T.
Protein change: p.Phe200=; no amino-acid change (phenylalanine 200 retained).
Molecular consequence: synonymous variant.
Genome position (GRCh38, 1-based): chr4:54,698,546, C>T. VCF-style: chr4-54698546-C-T. GRCh37 (hg19) VCF-style: chr4-55564712-C-T.
Other names: c.600C>T, p.Phe200= (NM_001093772.2, NM_001385284.1, NM_001385285.1 and 4 more transcripts).
Identifiers: ClinVar variation 415813 (VCV000415813.15), dbSNP rs772105682, ClinGen allele CA2923269.